The following is an entry in ClinVar:

ClinVar aggregate classification (germline): Uncertain significance (1 of 4 stars; one submission).

gnomAD v4.1: 1 of 1,614,086 alleles (0.000062%); highest among the groups gnomAD compares: South Asian, 0.0011%; no homozygotes.

Submission:

GeneDx
Classification: Uncertain significance. Last evaluated: 2026-03-01. Review status: criteria provided, single submitter. Criteria: GeneDx Variant Classification Process June 2021. Collection method: clinical testing. Allele origin: germline.
Comment: Not observed at significant frequency in large population cohorts (gnomAD); In silico analysis supports that this missense variant has a deleterious effect on protein structure/function; Has not been previously published as pathogenic or benign to our knowledge

NM_014991.6(WDFY3):c.3551G>A (p.Cys1184Tyr)

Gene: WDFY3 (WD repeat and FYVE domain containing 3; minus strand). Cytogenetic location: 4q21.23.
Variant type: single nucleotide variant.
Coding change: c.3551G>A on transcript NM_014991.6 (MANE Select); coding-DNA position 3551, G replaced by A.
Protein change: p.Cys1184Tyr; replaces cysteine 1184 with tyrosine.
Molecular consequence: missense variant.
Genome position (GRCh38, 1-based): chr4:84,789,844, C>T on the plus strand (G>A on the coding strand, the complement: WDFY3 is on the minus strand). VCF-style: chr4-84789844-C-T. GRCh37 (hg19) VCF-style: chr4-85710997-C-T.
Other names: short protein forms C1184Y.
Identifiers: ClinVar variation 5007956 (VCV005007956.1).